The following is an entry in ClinVar:

ClinVar aggregate classification (germline): Likely benign (1 of 4 stars; one submission).

Allele frequency attached by ClinVar (database versions not stated): ESP Exome Variant Server 0.00314; gnomAD exomes 0.00410; 1000 Genomes Project 30x 0.00016; 1000 Genomes Project 0.00020; gnomAD 0.00248; TOPMed 0.00250; ExAC 0.00292.
gnomAD v4.1: 6,321 of 1,614,134 alleles (0.39%); highest among the groups gnomAD compares: Non-Finnish European, 0.48%; 15 homozygotes.

Submission:

CeGaT Center for Human Genetics Tuebingen
Classification: Likely benign. Last evaluated: 2024-02-01. Review status: criteria provided, single submitter. Criteria: CeGaT Center For Human Genetics Tuebingen Variant Classification Criteria Version 2. Collection method: clinical testing. Allele origin: germline. Affected: yes. Observed: 1 variant allele.
Comment: MAD1L1: BS2

NM_001013836.2(MAD1L1):c.708G>C (p.Glu236Asp)

Gene: MAD1L1 (mitotic arrest deficient 1 like 1; minus strand). Cytogenetic location: 7p22.3.
Variant type: single nucleotide variant.
Coding change: c.708G>C on transcript NM_001013836.2 (MANE Select); coding-DNA position 708, G replaced by C.
Protein change: p.Glu236Asp; replaces glutamic acid 236 with aspartic acid.
Molecular consequence: missense variant.
Genome position (GRCh38, 1-based): chr7:2,216,258, C>G on the plus strand (G>C on the coding strand, the complement: MAD1L1 is on the minus strand). VCF-style: chr7-2216258-C-G. GRCh37 (hg19) VCF-style: chr7-2255893-C-G.
Other names: c.708G>C, p.Glu236Asp (NM_001013837.2, NM_001304523.2, NM_003550.3); c.432G>C, p.Glu144Asp (NM_001304524.2); short protein forms E144D, E236D.
Identifiers: ClinVar variation 3024872 (VCV003024872.22), dbSNP rs61751746, ClinGen allele CA4123539.